The following is an entry in ClinVar:

ClinVar aggregate classification (germline): Uncertain significance. Review status: criteria provided, multiple submitters, no conflicts (2 of 4 stars). 2 submissions from 2 submitters: Uncertain significance (2). Last evaluated 2025-11-08.

Conditions:
Breast-ovarian cancer, familial, susceptibility to, 1 (BROVCA1). Also called: BRCA1 Hereditary Breast and Ovarian Cancer; OVARIAN CANCER, SUSCEPTIBILITY TO. Identifiers: Orphanet 145, MedGen C2676676, MONDO:0011450, OMIM 604370. Disease mechanism: loss of function.
Hereditary breast ovarian cancer syndrome. Also called: Hereditary breast and ovarian cancer syndrome; Hereditary breast and ovarian cancer syndrome (HBOC); Breast and ovarian cancer; Hereditary breast and ovarian cancer; Hereditary breast and/or ovarian cancer syndrome; BRCA1- and BRCA2-Associated Hereditary Breast and Ovarian Cancer. Identifiers: Orphanet 145, MedGen C0677776, MeSH D061325, MONDO:0003582. Disease mechanism: loss of function.

Submissions (2):

Dasa
Classification: Uncertain significance for Breast-ovarian cancer, familial, susceptibility to, 1. Last evaluated: 2025-11-08. Review status: criteria provided, single submitter. Criteria: DASA Assertion Criteria. Collection method: clinical testing. Allele origin: germline.
Comment: NM_007294.4(BRCA1):c.5488_5489delinsAG (p.Ala1830Arg) is an in-frame insertion/deletion-insertion predicted to alter the protein sequence without shifting the reading frame. This variant is absent from population databases. The currently available literature and clinical evidence are not sufficient to establish a definitive association between this variant and the reported condition. Therefore, this variant is classified as a variant of uncertain significance.

Labcorp Genetics (formerly Invitae), Labcorp
Classification: Uncertain significance for Hereditary breast ovarian cancer syndrome. Last evaluated: 2024-08-21. Review status: criteria provided, single submitter. Criteria: Invitae Variant Classification Sherloc (09022015). Collection method: clinical testing. Allele origin: germline.
Comment: This sequence change replaces alanine, which is neutral and non-polar, with arginine, which is basic and polar, at codon 1830 of the BRCA1 protein (p.Ala1830Arg). Information on the frequency of this variant in the gnomAD database is not available, as this variant may be reported differently in the database. This variant has not been reported in the literature in individuals affected with BRCA1-related conditions. ClinVar contains an entry for this variant (Variation ID: 969085). An algorithm developed to predict the effect of missense changes on protein structure and function (PolyPhen-2) suggests that this variant is likely to be disruptive. In summary, the available evidence is currently insufficient to determine the role of this variant in disease. Therefore, it has been classified as a Variant of Uncertain Significance.

NM_007294.4(BRCA1):c.5488_5489delinsAG (p.Ala1830Arg)

Gene: BRCA1 (BRCA1 DNA repair associated; minus strand). Cytogenetic location: 17q21.31.
Variant type: Indel.
Coding change: c.5488_5489delinsAG on transcript NM_007294.4 (MANE Select); coding-DNA positions 5488 to 5489, GC replaced by AG.
Protein change: p.Ala1830Arg; replaces alanine 1830 with arginine.
Molecular consequence: missense variant. On other transcripts: 3 prime UTR variant (1), non-coding transcript variant (1).
Genome position (GRCh38, 1-based): chr17:43,045,781-43,045,782, GC replaced by CT on the plus strand (GC replaced by AG on the coding strand, the reverse complement: BRCA1 is on the minus strand). VCF-style: chr17-43045781-GC-CT. GRCh37 (hg19) VCF-style: chr17-41197798-GC-CT.
Other names: c.2062_2063delGCinsAG, p.Ala688Arg (NM_001408418.1, NM_001408419.1, NM_001408420.1); c.2056_2057delGCinsAG, p.Ala686Arg (NM_001408430.1, NM_001408431.1, NM_001408425.1 and 4 more transcripts); c.2053_2054delGCinsAG, p.Ala685Arg (NM_001408432.1, NM_001408433.1, NM_001408434.1 and 10 more transcripts); c.2050_2051delGCinsAG, p.Ala684Arg (NM_001408448.1, NM_001408450.1, NM_001408445.1 and 2 more transcripts); c.2044_2045delGCinsAG, p.Ala682Arg (NM_001408451.1); c.2038_2039delGCinsAG, p.Ala680Arg (NM_001408452.1, NM_001408453.1, NM_001408454.1 and 3 more transcripts); c.2035_2036delGCinsAG, p.Ala679Arg (NM_001408467.1, NM_001408458.1, NM_001408459.1 and 7 more transcripts); c.2032_2033delGCinsAG, p.Ala678Arg (NM_001408468.1, NM_001408469.1, NM_001408470.1); and 77 more; short protein forms A1851R, A1783R, A1830R, A726R, A1534R, A1702R, A1719R, A1742R.
Identifiers: ClinVar variation 969085 (VCV000969085.13), dbSNP rs2050883999, ClinGen allele CA1139665549.